The following is an entry in ClinVar:

ClinVar aggregate classification (germline): Uncertain significance (1 of 4 stars; one submission).

Allele frequency attached by ClinVar (database versions not stated): gnomAD 0.00001; gnomAD exomes 0.00001; ExAC 0.00002; TOPMed 0.00002.
gnomAD v4.1: 16 of 1,614,050 alleles (0.00099%); highest among the groups gnomAD compares: Admixed American, 0.0017%; no homozygotes.

Submission:

Labcorp Genetics (formerly Invitae), Labcorp
Classification: Uncertain significance. Last evaluated: 2022-07-19. Review status: criteria provided, single submitter. Criteria: Invitae Variant Classification Sherloc (09022015). Collection method: clinical testing. Allele origin: germline.
Comment: In summary, the available evidence is currently insufficient to determine the role of this variant in disease. Therefore, it has been classified as a Variant of Uncertain Significance. Algorithms developed to predict the effect of missense changes on protein structure and function are either unavailable or do not agree on the potential impact of this missense change (SIFT: "Not Available"; PolyPhen-2: "Probably Damaging"; Align-GVGD: "Not Available"). This variant has not been reported in the literature in individuals affected with IFT52-related conditions. This variant is present in population databases (rs752957710, gnomAD 0.007%). This sequence change replaces proline, which is neutral and non-polar, with leucine, which is neutral and non-polar, at codon 330 of the IFT52 protein (p.Pro330Leu).

NM_016004.5(IFT52):c.989C>T (p.Pro330Leu)

Gene: IFT52 (intraflagellar transport 52; plus strand). Cytogenetic location: 20q13.12.
Variant type: single nucleotide variant.
Coding change: c.989C>T on transcript NM_016004.5 (MANE Select); coding-DNA position 989, C replaced by T.
Protein change: p.Pro330Leu; replaces proline 330 with leucine.
Molecular consequence: missense variant.
Genome position (GRCh38, 1-based): chr20:43,635,991, C>T. VCF-style: chr20-43635991-C-T. GRCh37 (hg19) VCF-style: chr20-42264631-C-T.
Other names: c.989C>T, p.Pro330Leu (NM_001303458.3, NM_001303459.3); c.461C>T, p.Pro154Leu (NM_001323578.2, NM_001323580.2); c.338C>T, p.Pro113Leu (NM_001323579.2, NM_001323581.2); short protein forms P330L, P113L, P154L.
Identifiers: ClinVar variation 2189569 (VCV002189569.4), dbSNP rs752957710, ClinGen allele CA9867057.
Genomic context (GRCh38, chr20:43,635,991, plus strand): 5'-ACGAGCAGCTAAATGTGAAACATGAACCACTCCAGCTCATCCAGCCTCAGTTTGAGACGC[C>T]GCTGCCAACCCTTCAGCCTGCGGTGAGTAGGTGTGCTTGGGAGATCCCACTGCAGAGCCC-3'
Protein context (NP_057088.2, residues 320-340): LQLIQPQFET[Pro330Leu]LPTLQPAVFP